The following is an entry in ClinVar:

ClinVar aggregate classification (germline): Conflicting classifications of pathogenicity. Review status: criteria provided, conflicting classifications (1 of 4 stars). 3 submissions from 3 submitters: Uncertain significance (1); Likely benign (1). 1 of the submissions does not count toward it. Last evaluated 2025-07-15.

Conditions:
Wilson-Turner syndrome (WTS). Also called: MENTAL RETARDATION, X-LINKED, SYNDROMIC 6; INTELLECTUAL DEVELOPMENTAL DISORDER, X-LINKED, SYNDROMIC, WILSON-TURNER TYPE. Identifiers: Orphanet 3459, MedGen C1839736, MONDO:0010665, OMIM 309585.
Intellectual disability. Also called: Intellectual developmental disorder; Intellectual functioning disability; intellectual disabilities. Identifiers: MedGen C3714756, MeSH D008607, MONDO:0001071, HP:0001249.

Allele frequency attached by ClinVar (database versions not stated): gnomAD exomes 0.00028 and 0.00049; ExAC 0.00016; gnomAD 0.00018 and 0.00019; ESP Exome Variant Server 0.00019; TOPMed 0.00021.

Submissions (3):

Labcorp Genetics (formerly Invitae), Labcorp
Classification: Uncertain significance for Wilson-Turner syndrome. Last evaluated: 2025-07-15. Review status: criteria provided, single submitter. Criteria: Invitae Variant Classification Sherloc (09022015). Collection method: clinical testing. Allele origin: germline.
Comment: This sequence change replaces valine, which is neutral and non-polar, with isoleucine, which is neutral and non-polar, at codon 579 of the LAS1L protein (p.Val579Ile). This variant is present in population databases (rs200862250, gnomAD 0.05%), and has an allele count higher than expected for a pathogenic variant. This variant has not been reported in the literature in individuals affected with LAS1L-related conditions. ClinVar contains an entry for this variant (Variation ID: 464822). Invitae Evidence Modeling of protein sequence and biophysical properties (such as structural, functional, and spatial information, amino acid conservation, physicochemical variation, residue mobility, and thermodynamic stability) indicates that this missense variant is not expected to disrupt LAS1L protein function with a negative predictive value of 80%. In summary, the available evidence is currently insufficient to determine the role of this variant in disease. Therefore, it has been classified as a Variant of Uncertain Significance.

CeGaT Center for Human Genetics Tuebingen
Classification: Likely benign. Last evaluated: 2022-12-01. Review status: criteria provided, single submitter. Criteria: CeGaT Center For Human Genetics Tuebingen Variant Classification Criteria Version 2. Collection method: clinical testing. Allele origin: germline. Affected: yes. Observed: 1 variant allele.
Comment: LAS1L: BP4, BS2

Centre de Biologie Pathologie Génétique, Centre Hospitalier Universitaire de Lille
Classification: Likely benign for Intellectual disability. Last evaluated: 2019-01-01. Review status: no assertion criteria provided. Collection method: clinical testing. Allele origin: inherited. Affected: yes. Not counted in ClinVar's aggregate classification.

NM_031206.7(LAS1L):c.1735G>A (p.Val579Ile)

Gene: LAS1L (LAS1 like ribosome biogenesis factor; minus strand). Cytogenetic location: Xq12.
Variant type: single nucleotide variant.
Coding change: c.1735G>A on transcript NM_031206.7 (MANE Select); coding-DNA position 1735, G replaced by A.
Protein change: p.Val579Ile; replaces valine 579 with isoleucine.
Molecular consequence: missense variant. On other transcripts: non-coding transcript variant (1).
Genome position (GRCh38, 1-based): chrX:65,518,179, C>T on the plus strand (G>A on the coding strand, the complement: LAS1L is on the minus strand). VCF-style: chrX-65518179-C-T. GRCh37 (hg19) VCF-style: chrX-64738059-C-T.
Other names: c.1684G>A, p.Val562Ile (NM_001170649.2, NM_001375333.1); c.1558G>A, p.Val520Ile (NM_001170650.2); c.1735G>A, p.Val579Ile (NM_001375328.1); c.778G>A, p.Val260Ile (NM_001375332.1); short protein forms V579I, V562I, V520I, V260I.
Identifiers: ClinVar variation 464822 (VCV000464822.35), dbSNP rs200862250, ClinGen allele CA10433883.